The following is an entry in ClinVar:

ClinVar aggregate classification (germline): Uncertain significance. Review status: criteria provided, multiple submitters, no conflicts (2 of 4 stars). 2 submissions from 2 submitters: Uncertain significance (2). Last evaluated 2025-07-14.

Conditions:
Tumor predisposition syndrome 3 (TPDS3). Also called: Glioma susceptibility 9; LONG TELOMERE SYNDROME, POT1-RELATED; POT1 Tumor Predisposition; Melanoma, cutaneous malignant, susceptibility to, 10. Identifiers: Orphanet 618, MedGen C4014476, MONDO:0014368, OMIM 615848.
Hereditary cancer-predisposing syndrome. Also called: Hereditary neoplastic syndrome; Hereditary Cancer Syndrome; Neoplastic Syndromes, Hereditary; Tumor predisposition. Identifiers: Orphanet 140162, MedGen C0027672, MeSH D009386, MONDO:0015356.

Allele frequency attached by ClinVar (database versions not stated): gnomAD exomes below 0.00001; TOPMed below 0.00001.
gnomAD v4.1: 1 of 1,598,508 alleles (0.000063%); highest among the groups gnomAD compares: South Asian, 0.0011%; no homozygotes.

Submissions (2):

Ambry Genetics
Classification: Uncertain significance for Hereditary cancer-predisposing syndrome. Last evaluated: 2025-07-14. Review status: criteria provided, single submitter. Criteria: Ambry Variant Classification Scheme 2023. Collection method: clinical testing. Allele origin: germline.
Comment: The p.P383T variant (also known as c.1147C>A), located in coding exon 9 of the POT1 gene, results from a C to A substitution at nucleotide position 1147. The proline at codon 383 is replaced by threonine, an amino acid with highly similar properties. This amino acid position is conserved. In addition, this alteration is predicted to be tolerated by in silico analysis. Based on the available evidence, the clinical significance of this variant remains unclear.

Labcorp Genetics (formerly Invitae), Labcorp
Classification: Uncertain significance for Tumor predisposition syndrome 3. Last evaluated: 2024-06-08. Review status: criteria provided, single submitter. Criteria: Invitae Variant Classification Sherloc (09022015). Collection method: clinical testing. Allele origin: germline.
Comment: This sequence change replaces proline, which is neutral and non-polar, with threonine, which is neutral and polar, at codon 383 of the POT1 protein (p.Pro383Thr). This variant is not present in population databases (gnomAD no frequency). This variant has not been reported in the literature in individuals affected with POT1-related conditions. ClinVar contains an entry for this variant (Variation ID: 475022). Advanced modeling of protein sequence and biophysical properties (such as structural, functional, and spatial information, amino acid conservation, physicochemical variation, residue mobility, and thermodynamic stability) performed at Invitae indicates that this missense variant is not expected to disrupt POT1 protein function with a negative predictive value of 80%. In summary, the available evidence is currently insufficient to determine the role of this variant in disease. Therefore, it has been classified as a Variant of Uncertain Significance.

NM_015450.3(POT1):c.1147C>A (p.Pro383Thr)

Gene: POT1 (protection of telomeres 1; minus strand). Cytogenetic location: 7q31.33.
Variant type: single nucleotide variant.
Coding change: c.1147C>A on transcript NM_015450.3 (MANE Select); coding-DNA position 1147, C replaced by A.
Protein change: p.Pro383Thr; replaces proline 383 with threonine.
Molecular consequence: missense variant. On other transcripts: non-coding transcript variant (3).
Genome position (GRCh38, 1-based): chr7:124,842,823, G>T on the plus strand (C>A on the coding strand, the complement: POT1 is on the minus strand). VCF-style: chr7-124842823-G-T. GRCh37 (hg19) VCF-style: chr7-124482877-G-T.
Other names: c.754C>A, p.Pro252Thr (NM_001042594.2); short protein forms P383T, P252T.
Identifiers: ClinVar variation 475022 (VCV000475022.10), dbSNP rs1243926615, ClinGen allele CA369068129.